The following is an entry in ClinVar:

ClinVar aggregate classification (germline): Uncertain significance (1 of 4 stars; one submission).

Conditions:
Hereditary cancer-predisposing syndrome. Also called: Neoplastic Syndromes, Hereditary; Tumor predisposition; Hereditary Cancer Syndrome; Hereditary neoplastic syndrome. Identifiers: Orphanet 140162, MedGen C0027672, MeSH D009386, MONDO:0015356.

Submission:

Ambry Genetics
Classification: Uncertain significance for Hereditary cancer-predisposing syndrome. Last evaluated: 2020-03-17. Review status: criteria provided, single submitter. Criteria: Ambry Variant Classification Scheme 2023. Collection method: clinical testing. Allele origin: germline.
Comment: The p.D111E variant (also known as c.333C>G), located in coding exon 2 of the CHEK2 gene, results from a C to G substitution at nucleotide position 333. The aspartic acid at codon 111 is replaced by glutamic acid, an amino acid with highly similar properties. This amino acid position is well conserved in available vertebrate species. In addition, this alteration is predicted to be tolerated by in silico analysis. Since supporting evidence is limited at this time, the clinical significance of this alteration remains unclear.

NM_007194.4(CHEK2):c.333C>G (p.Asp111Glu)

Gene: CHEK2 (checkpoint kinase 2; minus strand). Cytogenetic location: 22q12.1.
Variant type: single nucleotide variant.
Coding change: c.333C>G on transcript NM_007194.4 (MANE Select); coding-DNA position 333, C replaced by G.
Protein change: p.Asp111Glu; replaces aspartic acid 111 with glutamic acid.
Molecular consequence: missense variant.
Genome position (GRCh38, 1-based): chr22:28,725,354, G>C on the plus strand (C>G on the coding strand, the complement: CHEK2 is on the minus strand). VCF-style: chr22-28725354-G-C. GRCh37 (hg19) VCF-style: chr22-29121342-G-C.
Other names: c.462C>G, p.Asp154Glu (NM_001005735.3); c.-445C>G (NM_001257387.3); c.333C>G, p.Asp111Glu (NM_001349956.3, NM_145862.3); short protein forms D154E, D111E.
Identifiers: ClinVar variation 1730386 (VCV001730386.2), dbSNP rs2146071649, ClinGen allele CA411108251.